The following is an entry in ClinVar:

NM_004483.5(GCSH):c.329G>A (p.Ser110Asn)

Gene: GCSH (glycine cleavage system protein H; minus strand). Cytogenetic location: 16q23.2.
Variant type: single nucleotide variant.
Coding change: c.329G>A on transcript NM_004483.5 (MANE Select); coding-DNA position 329, G replaced by A.
Protein change: p.Ser110Asn; replaces serine 110 with asparagine.
Molecular consequence: missense variant. On other transcripts: non-coding transcript variant (1).
Genome position (GRCh38, 1-based): chr16:81,084,558, C>T on the plus strand (G>A on the coding strand, the complement: GCSH is on the minus strand). VCF-style: chr16-81084558-C-T. GRCh37 (hg19) VCF-style: chr16-81118163-C-T.
Other names: short protein forms S110N.
Identifiers: ClinVar variation 575539 (VCV000575539.9), dbSNP rs779721507, ClinGen allele CA8186742.

ClinVar aggregate classification (germline): Uncertain significance (1 of 4 stars; one submission).

Conditions:
Glycine encephalopathy. Also called: Non-ketotic hyperglycinemia; Nonketotic hyperglycinemia. Identifiers: Orphanet 407, MedGen C0751748, MONDO:0011612, HP:0008288.

Allele frequency attached by ClinVar (database versions not stated): gnomAD exomes below 0.00001 and 0.00001; ExAC 0.00001.

Submission:

Labcorp Genetics (formerly Invitae), Labcorp
Classification: Uncertain significance for Glycine encephalopathy. Last evaluated: 2020-11-05. Review status: criteria provided, single submitter. Criteria: Invitae Variant Classification Sherloc (09022015). Collection method: clinical testing. Allele origin: germline.
Comment: In summary, the available evidence is currently insufficient to determine the role of this variant in disease. Therefore, it has been classified as a Variant of Uncertain Significance. Algorithms developed to predict the effect of missense changes on protein structure and function (SIFT, PolyPhen-2, Align-GVGD) all suggest that this variant is likely to be disruptive, but these predictions have not been confirmed by published functional studies and their clinical significance is uncertain. This variant has not been reported in the literature in individuals with GCSH-related disease. The frequency data for this variant in the population databases is considered unreliable, as metrics indicate poor data quality at this position in the ExAC database. This sequence change replaces serine with asparagine at codon 110 of the GCSH protein (p.Ser110Asn). The serine residue is highly conserved and there is a small physicochemical difference between serine and asparagine.